The following is an entry in ClinVar:

NM_024514.5(CYP2R1):c.169G>T (p.Ala57Ser)

Genes: CYP2R1 (cytochrome P450 family 2 subfamily R member 1; minus strand), PDE3B (phosphodiesterase 3B; plus strand). Cytogenetic location: 11p15.2.
Variant type: single nucleotide variant.
Coding change: c.169G>T on transcript NM_024514.5 (MANE Select); coding-DNA position 169, G replaced by T.
Protein change: p.Ala57Ser; replaces alanine 57 with serine.
Molecular consequence: missense variant. On other transcripts: intron variant (1).
Genome position (GRCh38, 1-based): chr11:14,892,037, C>A on the plus strand (G>T on the coding strand, the complement: CYP2R1 is on the minus strand). VCF-style: chr11-14892037-C-A. GRCh37 (hg19) VCF-style: chr11-14913583-C-A.
Other names: c.-121+328G>T (NM_001400558.1); short protein forms A57S.
Identifiers: ClinVar variation 1950230 (VCV001950230.5), dbSNP rs782254783, ClinGen allele CA5896785.

ClinVar aggregate classification (germline): Uncertain significance (1 of 4 stars; one submission).

Allele frequency attached by ClinVar (database versions not stated): ExAC 0.00001; gnomAD exomes 0.00001.
gnomAD v4.1: 3 of 1,613,274 alleles (0.00019%); highest among the groups gnomAD compares: Admixed American, 0.0033%; no homozygotes.

Submission:

Labcorp Genetics (formerly Invitae), Labcorp
Classification: Uncertain significance. Last evaluated: 2022-08-09. Review status: criteria provided, single submitter. Criteria: Invitae Variant Classification Sherloc (09022015). Collection method: clinical testing. Allele origin: germline.
Comment: In summary, the available evidence is currently insufficient to determine the role of this variant in disease. Therefore, it has been classified as a Variant of Uncertain Significance. Algorithms developed to predict the effect of missense changes on protein structure and function (SIFT, PolyPhen-2, Align-GVGD) all suggest that this variant is likely to be tolerated. This variant has not been reported in the literature in individuals affected with CYP2R1-related conditions. This variant is present in population databases (rs782254783, gnomAD 0.006%). This sequence change replaces alanine, which is neutral and non-polar, with serine, which is neutral and polar, at codon 57 of the CYP2R1 protein (p.Ala57Ser).